The following is an entry in ClinVar:

ClinVar aggregate classification (germline): Uncertain significance (1 of 4 stars; one submission).

gnomAD v4.1: 1 of 1,591,538 alleles (0.000063%); highest among the groups gnomAD compares: Non-Finnish European, 0.000086%; no homozygotes.

Submission:

CeGaT Center for Human Genetics Tuebingen
Classification: Uncertain significance. Last evaluated: 2025-09-01. Review status: criteria provided, single submitter. Criteria: CeGaT Center For Human Genetics Tuebingen Variant Classification Criteria Version 2. Collection method: clinical testing. Allele origin: germline. Affected: yes. Observed: 1 variant allele.
Comment: GLI2: PM2, BP4

NM_001374353.1(GLI2):c.643+3G>T

Gene: GLI2 (GLI family zinc finger 2; plus strand). Cytogenetic location: 2q14.2.
Variant type: single nucleotide variant.
Coding change: c.643+3G>T on transcript NM_001374353.1 (MANE Select); 3 bases into the intron after coding-DNA position 643, G replaced by T.
Molecular consequence: intron variant.
Genome position (GRCh38, 1-based): chr2:120,955,433, G>T. VCF-style: chr2-120955433-G-T. GRCh37 (hg19) VCF-style: chr2-121713009-G-T.
Other names: c.643+3G>T (NM_001371271.1, NM_005270.5); c.268+3G>T (NM_001374354.1).
Identifiers: ClinVar variation 4281396 (VCV004281396.7).
Genomic context (GRCh38, chr2:120,955,433, plus strand): 5'-CAGAGCGGGGGCGCTGCCAGCGCACCCCATCTCCACGACTACCTCAACCCCGTGGACGGT[G>T]AGTGCTGGCCCCCAGGGGCTGAGGATGGGGCTAGCAGATCTCCTCTTGAGGCTGAGAAGG-3'